The following is an entry in ClinVar:

NM_201384.3(PLEC):c.10697C>T (p.Ala3566Val)

Gene: PLEC (plectin; minus strand). Cytogenetic location: 8q24.3.
Variant type: single nucleotide variant.
Coding change: c.10697C>T on transcript NM_201384.3 (MANE Select); coding-DNA position 10697, C replaced by T.
Protein change: p.Ala3566Val; replaces alanine 3566 with valine.
Molecular consequence: missense variant.
Genome position (GRCh38, 1-based): chr8:143,919,124, G>A on the plus strand (C>T on the coding strand, the complement: PLEC is on the minus strand). VCF-style: chr8-143919124-G-A. GRCh37 (hg19) VCF-style: chr8-144993292-G-A.
Other names: c.10778C>T, p.Ala3593Val (NM_000445.5); c.10655C>T, p.Ala3552Val (NM_201378.4); c.10631C>T, p.Ala3544Val (NM_201379.3); c.11108C>T, p.Ala3703Val (NM_201380.4); c.10601C>T, p.Ala3534Val (NM_201381.3); c.10697C>T, p.Ala3566Val (NM_201382.4); c.10709C>T, p.Ala3570Val (NM_201383.3); short protein forms A3534V, A3544V, A3552V, A3566V, A3570V, A3593V, A3703V.
Identifiers: ClinVar variation 388965 (VCV000388965.13), dbSNP rs782700068, ClinGen allele CA4924560.

ClinVar aggregate classification (germline): Conflicting classifications of pathogenicity. Review status: criteria provided, conflicting classifications (1 of 4 stars). 4 submissions from 4 submitters: Uncertain significance (2); Likely benign (1). 1 of the submissions does not count toward it. Last evaluated 2025-10-02.

Conditions:
PLEC-related disorder. Also called: PLEC-related condition; PLEC-related disorders.
Inborn genetic diseases. Identifiers: MedGen C0950123, MeSH D030342.
Autosomal recessive limb-girdle muscular dystrophy type 2Q (LGMDR17). Also called: MUSCULAR DYSTROPHY, LIMB-GIRDLE, AUTOSOMAL RECESSIVE 17. Identifiers: Orphanet 254361, MedGen C3150989, MONDO:0013390, OMIM 613723.
Epidermolysis bullosa simplex 5B, with muscular dystrophy (EBS5B). Also called: Epidermolysis bullosa simplex with muscular dystrophy; EPIDERMOLYSIS BULLOSA SIMPLEX AND LIMB-GIRDLE MUSCULAR DYSTROPHY. Identifiers: Orphanet 257, MedGen C2931072, MONDO:0009181, OMIM 226670.
Epidermolysis bullosa simplex with nail dystrophy (EBS5D). Identifiers: MedGen C4225309, MONDO:0014661, OMIM 616487.
Epidermolysis bullosa simplex, Ogna type (EBS5A). Also called: Pidermolysis bullosa simplex 5A, Ogna type; EPIDERMOLYSIS BULLOSA SIMPLEX 5A, OGNA TYPE. Identifiers: Orphanet 79401, MedGen C0432317, MONDO:0007555, OMIM 131950.
Epidermolysis bullosa simplex 5C, with pyloric atresia (EBS5C). Also called: PLEC1-Related Epidermolysis Bullosa with Pyloric Atresia; PLEC-Related Epidermolysis Bullosa with Pyloric Atresia; Epidermolysis bullosa simplex with pyloric atresia. Identifiers: Orphanet 158684, MedGen C2677349, MONDO:0012807, OMIM 612138.

Allele frequency attached by ClinVar (database versions not stated): gnomAD 0.00006 and 0.00004; gnomAD exomes 0.00006 and 0.00003; TOPMed 0.00012; ExAC 0.00003.
gnomAD v4.1: 91 of 1,612,946 alleles (0.0056%); highest among the groups gnomAD compares: Admixed American, 0.012%; no homozygotes.

Submissions (4):

Labcorp Genetics (formerly Invitae), Labcorp
Classification: Uncertain significance for Autosomal recessive limb-girdle muscular dystrophy type 2Q; Epidermolysis bullosa simplex, Ogna type; Epidermolysis bullosa simplex with nail dystrophy; Epidermolysis bullosa simplex 5C, with pyloric atresia; Epidermolysis bullosa simplex 5B, with muscular dystrophy. Last evaluated: 2025-10-02. Review status: criteria provided, single submitter. Criteria: Invitae Variant Classification Sherloc (09022015). Collection method: clinical testing. Allele origin: germline.
Comment: This sequence change replaces alanine, which is neutral and non-polar, with valine, which is neutral and non-polar, at codon 3593 of the PLEC protein (p.Ala3593Val). This variant is present in population databases (rs782700068, gnomAD 0.004%). This variant has not been reported in the literature in individuals affected with PLEC-related conditions. ClinVar contains an entry for this variant (Variation ID: 388965). An algorithm developed to predict the effect of missense changes on protein structure and function (PolyPhen-2) suggests that this variant is likely to be tolerated. In summary, the available evidence is currently insufficient to determine the role of this variant in disease. Therefore, it has been classified as a Variant of Uncertain Significance.

Ambry Genetics
Classification: Uncertain significance for Inborn genetic diseases. Last evaluated: 2023-12-11. Review status: criteria provided, single submitter. Criteria: Ambry Variant Classification Scheme 2023. Collection method: clinical testing. Allele origin: germline.

GeneDx
Classification: Likely benign. Last evaluated: 2016-08-31. Review status: criteria provided, single submitter. Criteria: GeneDx Variant Classification (06012015). Collection method: clinical testing. Allele origin: germline. Affected: yes.
Comment: This variant is considered likely benign or benign based on one or more of the following criteria: it is a conservative change, it occurs at a poorly conserved position in the protein, it is predicted to be benign by multiple in silico algorithms, and/or has population frequency not consistent with disease.

PreventionGenetics, part of Exact Sciences
Classification: Uncertain significance for PLEC-related condition. Last evaluated: 2024-04-25. Review status: no assertion criteria provided. Collection method: clinical testing. Allele origin: germline. Not counted in ClinVar's aggregate classification.
Comment: The PLEC c.10778C>T variant is predicted to result in the amino acid substitution p.Ala3593Val. To our knowledge, this variant has not been reported in the literature. This variant is reported in 0.0035% of alleles in individuals of European (Non-Finnish) descent in gnomAD. At this time, the clinical significance of this variant is uncertain due to the absence of conclusive functional and genetic evidence.